The following is an entry in ClinVar:

ClinVar aggregate classification (germline): Uncertain significance. Review status: criteria provided, multiple submitters, no conflicts (2 of 4 stars). 2 submissions from 2 submitters: Uncertain significance (2). Last evaluated 2025-10-23.

Conditions:
Neuroblastoma, susceptibility to, 3. Also called: ALK-Related Neuroblastic Tumor Susceptibility. Identifiers: Orphanet 635, MedGen C2751681, MONDO:0013083, OMIM 613014.
Hereditary cancer-predisposing syndrome. Also called: Hereditary neoplastic syndrome; Tumor predisposition; Hereditary Cancer Syndrome; Neoplastic Syndromes, Hereditary. Identifiers: Orphanet 140162, MedGen C0027672, MeSH D009386, MONDO:0015356.

Allele frequency attached by ClinVar (database versions not stated): gnomAD exomes below 0.00001; ExAC 0.00001.

Submissions (2):

Labcorp Genetics (formerly Invitae), Labcorp
Classification: Uncertain significance for Neuroblastoma, susceptibility to, 3. Last evaluated: 2025-10-23. Review status: criteria provided, single submitter. Criteria: Invitae Variant Classification Sherloc (09022015). Collection method: clinical testing. Allele origin: germline.
Comment: This sequence change replaces glycine, which is neutral and non-polar, with alanine, which is neutral and non-polar, at codon 932 of the ALK protein (p.Gly932Ala). This variant is present in population databases (rs755261455, gnomAD 0.003%). This variant has not been reported in the literature in individuals affected with ALK-related conditions. ClinVar contains an entry for this variant (Variation ID: 1420316). An algorithm developed to predict the effect of missense changes on protein structure and function (PolyPhen-2) suggests that this variant is likely to be disruptive. In summary, the available evidence is currently insufficient to determine the role of this variant in disease. Therefore, it has been classified as a Variant of Uncertain Significance.

Ambry Genetics
Classification: Uncertain significance for Hereditary cancer-predisposing syndrome. Last evaluated: 2023-08-25. Review status: criteria provided, single submitter. Criteria: Ambry Variant Classification Scheme 2023. Collection method: clinical testing. Allele origin: germline.
Comment: The p.G932A variant (also known as c.2795G>C), located in coding exon 16 of the ALK gene, results from a G to C substitution at nucleotide position 2795. The glycine at codon 932 is replaced by alanine, an amino acid with similar properties. This amino acid position is conserved. In addition, the in silico prediction for this alteration is inconclusive. Since supporting evidence is limited at this time, the clinical significance of this alteration remains unclear.

NM_004304.5(ALK):c.2795G>C (p.Gly932Ala)

Gene: ALK (ALK receptor tyrosine kinase; minus strand). Cytogenetic location: 2p23.2.
Variant type: single nucleotide variant.
Coding change: c.2795G>C on transcript NM_004304.5 (MANE Select); coding-DNA position 2795, G replaced by C.
Protein change: p.Gly932Ala; replaces glycine 932 with alanine.
Molecular consequence: missense variant.
Genome position (GRCh38, 1-based): chr2:29,228,904, C>G on the plus strand (G>C on the coding strand, the complement: ALK is on the minus strand). VCF-style: chr2-29228904-C-G. GRCh37 (hg19) VCF-style: chr2-29451770-C-G.
Other names: c.2795G>C (NM_004304.4); short protein forms G932A.
Identifiers: ClinVar variation 1420316 (VCV001420316.7), dbSNP rs755261455, ClinGen allele CA1594195.